The following is an entry in ClinVar:

ClinVar aggregate classification (germline): Conflicting classifications of pathogenicity. Review status: criteria provided, conflicting classifications (1 of 4 stars). 11 submissions from 10 submitters: Uncertain significance (10); Likely benign (1). Last evaluated 2026-09-01.

Conditions:
NPHP4-related disorder. Also called: NPHP4-related condition; NPHP4-related disorders. Identifiers: MedGen CN239384.
Senior-Loken syndrome 4 (SLSN4). Identifiers: Orphanet 3156, MedGen C1846979, MONDO:0011756, OMIM 606996.
Nephronophthisis 4 (NPHP4). Also called: NEPHRONOPHTHISIS 4, JUVENILE. Identifiers: Orphanet 655, MedGen C1847013, MONDO:0011752, OMIM 606966.
Inborn genetic diseases. Identifiers: MedGen C0950123, MeSH D030342.
Nephronophthisis. Also called: Juvenile Nephronophthisis. Identifiers: Orphanet 655, MedGen C0687120, MONDO:0019005, HP:0000090.

Allele frequency attached by ClinVar (database versions not stated): 1000 Genomes Project 0.00020; ExAC 0.00028; gnomAD exomes 0.00029; TOPMed 0.00029; 1000 Genomes Project 30x 0.00031; gnomAD 0.00034; ESP Exome Variant Server 0.00040.
gnomAD v4.1: 390 of 1,613,752 alleles (0.024%); highest among the groups gnomAD compares: Middle Eastern, 0.25%; no homozygotes.

Submissions (11):

CeGaT Center for Human Genetics Tuebingen
Classification: Uncertain significance. Last evaluated: 2026-09-01. Review status: criteria provided, single submitter. Criteria: CeGaT Center For Human Genetics Tuebingen Variant Classification Criteria Version 2. Collection method: clinical testing. Allele origin: germline. Affected: yes. Observed: 1 variant allele.
Comment: NPHP4: PM2

PreventionGenetics, part of Exact Sciences
Classification: Uncertain significance for NPHP4-related condition. Last evaluated: 2026-03-01. Review status: criteria provided, single submitter. Criteria: ACMG Guidelines, 2015. Collection method: clinical testing. Allele origin: germline.
Comment: The NPHP4 c.4034G>A variant is predicted to result in the amino acid substitution p.Gly1345Asp. To our knowledge, this variant has not been reported in the literature. This variant is reported in 0.068% of alleles in individuals of Latino descent in gnomAD, which may be too frequent to be a primary cause of disease. At this time, the clinical significance of this variant is uncertain due to the absence of conclusive functional and genetic evidence.

GeneDx
Classification: Uncertain significance. Last evaluated: 2025-02-02. Review status: criteria provided, single submitter. Criteria: GeneDx Variant Classification Process June 2021. Collection method: clinical testing. Allele origin: germline. Affected: yes.
Comment: In silico analysis supports that this missense variant has a deleterious effect on protein structure/function; Has not been previously published as pathogenic or benign to our knowledge

Mayo Clinic Laboratories, Mayo Clinic
Classification: Uncertain significance. Last evaluated: 2025-01-31. Review status: criteria provided, single submitter. Criteria: ACMG Guidelines, 2015. Collection method: clinical testing. Allele origin: germline. Observed: 2 variant alleles.

Blueprint Genetics
Classification: Likely benign. Last evaluated: 2024-10-15. Review status: criteria provided, single submitter. Criteria: ACMG Guidelines, 2015. Collection method: clinical testing. Allele origin: germline.

Fulgent Genetics
Classification: Uncertain significance for Nephronophthisis 4; Senior-Loken syndrome 4. Last evaluated: 2024-05-14. Review status: criteria provided, single submitter. Criteria: ACMG Guidelines, 2015. Collection method: clinical testing. Allele origin: germline.

Labcorp Genetics (formerly Invitae), Labcorp
Classification: Uncertain significance for Nephronophthisis. Last evaluated: 2022-10-24. Review status: criteria provided, single submitter. Criteria: Invitae Variant Classification Sherloc (09022015). Collection method: clinical testing. Allele origin: germline.
Comment: This sequence change replaces glycine, which is neutral and non-polar, with aspartic acid, which is acidic and polar, at codon 1345 of the NPHP4 protein (p.Gly1345Asp). This variant is present in population databases (rs200407553, gnomAD 0.07%). This variant has not been reported in the literature in individuals affected with NPHP4-related conditions. ClinVar contains an entry for this variant (Variation ID: 291157). Advanced modeling of protein sequence and biophysical properties (such as structural, functional, and spatial information, amino acid conservation, physicochemical variation, residue mobility, and thermodynamic stability) performed at Invitae indicates that this missense variant is expected to disrupt NPHP4 protein function. In summary, the available evidence is currently insufficient to determine the role of this variant in disease. Therefore, it has been classified as a Variant of Uncertain Significance.

Ambry Genetics
Classification: Uncertain significance for Inborn genetic diseases. Last evaluated: 2021-08-16. Review status: criteria provided, single submitter. Criteria: Ambry Variant Classification Scheme 2023. Collection method: clinical testing. Allele origin: germline.

Illumina Laboratory Services, Illumina
Classification: Uncertain significance for Senior-Loken syndrome 4. Last evaluated: 2018-01-13. Review status: criteria provided, single submitter. Criteria: ICSL Variant Classification Criteria 13 December 2019. Collection method: clinical testing. Allele origin: germline.

Illumina Laboratory Services, Illumina
Classification: Uncertain significance for Nephronophthisis 4. Last evaluated: 2018-01-13. Review status: criteria provided, single submitter. Criteria: ICSL Variant Classification Criteria 13 December 2019. Collection method: clinical testing. Allele origin: germline.

Eurofins Ntd Llc (ga)
Classification: Uncertain significance. Last evaluated: 2017-03-28. Review status: criteria provided, single submitter. Criteria: EGL Classification Definitions 2015. Collection method: clinical testing. Allele origin: germline. Observed: 3 variant alleles, 3 heterozygotes.

NM_015102.5(NPHP4):c.4034G>A (p.Gly1345Asp)

Gene: NPHP4 (nephrocystin 4; minus strand). Cytogenetic location: 1p36.31.
Variant type: single nucleotide variant.
Coding change: c.4034G>A on transcript NM_015102.5 (MANE Select); coding-DNA position 4034, G replaced by A.
Protein change: p.Gly1345Asp; replaces glycine 1345 with aspartic acid.
Molecular consequence: missense variant. On other transcripts: non-coding transcript variant (1).
Genome position (GRCh38, 1-based): chr1:5,863,996, C>T on the plus strand (G>A on the coding strand, the complement: NPHP4 is on the minus strand). VCF-style: chr1-5863996-C-T. GRCh37 (hg19) VCF-style: chr1-5924056-C-T.
Other names: p.Gly1345Asp; c.2495G>A, p.Gly832Asp (NM_001291593.2); c.2498G>A, p.Gly833Asp (NM_001291594.2); short protein forms G1345D, G832D, G833D.
Identifiers: ClinVar variation 291157 (VCV000291157.23), dbSNP rs200407553, ClinGen allele CA553371.